The following is an entry in ClinVar:

NM_017534.6(MYH2):c.3748A>G (p.Asn1250Asp)

Genes: MYHAS (myosin heavy chain gene cluster antisense RNA; plus strand), MYH2 (myosin heavy chain 2; minus strand). Cytogenetic location: 17p13.1.
Variant type: single nucleotide variant.
Coding change: c.3748A>G on transcript NM_017534.6 (MANE Select); coding-DNA position 3748, A replaced by G.
Protein change: p.Asn1250Asp; replaces asparagine 1250 with aspartic acid.
Molecular consequence: missense variant.
Genome position (GRCh38, 1-based): chr17:10,527,871, T>C on the plus strand (A>G on the coding strand, the complement: MYH2 is on the minus strand). VCF-style: chr17-10527871-T-C. GRCh37 (hg19) VCF-style: chr17-10431188-T-C.
Other names: c.3748A>G, p.Asn1250Asp (NM_001100112.2); short protein forms N1250D.
Identifiers: ClinVar variation 1468732 (VCV001468732.8), dbSNP rs1366353041, ClinGen allele CA398132221.
Genomic context (GRCh38, chr17:10,527,871, plus strand): 5'-CTTCCTTTGATTTCAGTTCACTCAGTTGGTCCTCTAGAGTCCGGCACATTTTCTCTAGGT[T>C]TCCCTATAGAAGAAAAAGTAAAAGAAGAAAACAGAGACCTTTTAAGCGAATAATAATCAC-3'
Protein context (NP_060004.3, residues 1240-1260): NVETVSKAKG[Asn1250Asp]LEKMCRTLED

ClinVar aggregate classification (germline): Uncertain significance (1 of 4 stars; one submission).

Conditions:
Myopathy, proximal, and ophthalmoplegia (CMYO6). Also called: CONGENITAL MYOPATHY 6 WITH OPHTHALMOPLEGIA; INCLUSION BODY MYOPATHY 3, AUTOSOMAL DOMINANT; MYOPATHY WITH CONGENITAL JOINT CONTRACTURES, OPHTHALMOPLEGIA, AND RIMMED VACUOLES. Identifiers: Orphanet 363677, Orphanet 79091, MedGen C1854106, MONDO:0011577, OMIM 605637.

Allele frequency attached by ClinVar (database versions not stated): gnomAD exomes below 0.00001 and 0.00001.
gnomAD v4.1: 5 of 1,613,166 alleles (0.00031%); highest among the groups gnomAD compares: Non-Finnish European, 0.00042%; no homozygotes.

Submission:

Labcorp Genetics (formerly Invitae), Labcorp
Classification: Uncertain significance for Myopathy, proximal, and ophthalmoplegia. Last evaluated: 2021-07-26. Review status: criteria provided, single submitter. Criteria: Invitae Variant Classification Sherloc (09022015). Collection method: clinical testing. Allele origin: germline.
Comment: This variant is not present in population databases (ExAC no frequency). In summary, the available evidence is currently insufficient to determine the role of this variant in disease. Therefore, it has been classified as a Variant of Uncertain Significance. Algorithms developed to predict the effect of missense changes on protein structure and function are either unavailable or do not agree on the potential impact of this missense change (SIFT: "Deleterious"; PolyPhen-2: "Benign"; Align-GVGD: "Class C15"). This variant has not been reported in the literature in individuals with MYH2-related conditions. This sequence change replaces asparagine with aspartic acid at codon 1250 of the MYH2 protein (p.Asn1250Asp). The asparagine residue is highly conserved and there is a small physicochemical difference between asparagine and aspartic acid.